The following is an entry in ClinVar:

ClinVar aggregate classification (germline): Benign (1 of 4 stars; one submission).

Conditions:
Heterotaxy, visceral, 4, autosomal (HTX4). Identifiers: Orphanet 450, MedGen C3151057, MONDO:0013403, OMIM 613751.

Allele frequency attached by ClinVar (database versions not stated): gnomAD 0.00040 and 0.00042; TOPMed 0.00048; 1000 Genomes Project 0.00060; 1000 Genomes Project 30x 0.00078.

Submission:

Illumina Laboratory Services, Illumina
Classification: Benign for Heterotaxy, visceral, 4, autosomal. Last evaluated: 2018-01-13. Review status: criteria provided, single submitter. Criteria: ICSL Variant Classification Criteria 13 December 2019. Collection method: clinical testing. Allele origin: germline.
Comment: This variant was observed in the ICSL laboratory as part of a predisposition screen in an ostensibly healthy population. It had not been previously curated by ICSL or reported in the Human Gene Mutation Database (HGMD: prior to June 1st, 2018), and was therefore a candidate for classification through an automated scoring system. Utilizing variant allele frequency, disease prevalence and penetrance estimates, and inheritance mode, an automated score was calculated to assess if this variant is too frequent to cause the disease. Based on the score and internal cut-off values, a variant classified as benign is not then subjected to further curation. The score for this variant resulted in a classification of benign for this disease.

NM_001106.4(ACVR2B):c.*1429C>T

Gene: ACVR2B (activin A receptor type 2B; plus strand). Cytogenetic location: 3p22.2.
Variant type: single nucleotide variant.
Coding change: c.*1429C>T on transcript NM_001106.4 (MANE Select); 1429 bases downstream of the stop codon, C replaced by T.
Molecular consequence: 3 prime UTR variant.
Genome position (GRCh38, 1-based): chr3:38,484,761, C>T. VCF-style: chr3-38484761-C-T. GRCh37 (hg19) VCF-style: chr3-38526252-C-T.
Identifiers: ClinVar variation 344946 (VCV000344946.5), dbSNP rs188712951, ClinGen allele CA10618563.
Genomic context (GRCh38, chr3:38,484,761, plus strand): 5'-ATGCTTCGCTATGTGGCTTCCAAGGTTTAAATTTTGAAAAGTAAAAGAATTAAAACTTCA[C>T]GACCACAGATCACCTCAAACCAGAAATACCTCAGAATTTTCTACTTATGTAAGGTTTATT-3'